The following is an entry in ClinVar:

NM_000256.3(MYBPC3):c.2708G>A (p.Gly903Asp)

Gene: MYBPC3 (myosin binding protein C3; minus strand). Cytogenetic location: 11p11.2.
Variant type: single nucleotide variant.
Coding change: c.2708G>A on transcript NM_000256.3 (MANE Select); coding-DNA position 2708, G replaced by A.
Protein change: p.Gly903Asp; replaces glycine 903 with aspartic acid.
Molecular consequence: missense variant.
Genome position (GRCh38, 1-based): chr11:47,335,906, C>T on the plus strand (G>A on the coding strand, the complement: MYBPC3 is on the minus strand). VCF-style: chr11-47335906-C-T. GRCh37 (hg19) VCF-style: chr11-47357457-C-T.
Other names: short protein forms G903D.
Identifiers: ClinVar variation 918284 (VCV000918284.5), dbSNP rs1007623141, ClinGen allele CA221685828.

ClinVar aggregate classification (germline): Uncertain significance. Review status: criteria provided, multiple submitters, no conflicts (2 of 4 stars). 3 submissions from 3 submitters: Uncertain significance (3). Last evaluated 2024-01-05.

Conditions:
Left ventricular noncompaction 10 (LVNC10). Identifiers: Orphanet 154, Orphanet 54260, MedGen C3715165, MONDO:0014163, OMIM 615396.
Hypertrophic cardiomyopathy 4. Also called: Familial hypertrophic cardiomyopathy 4. Identifiers: MedGen C1861862, MONDO:0007268, OMIM 115197.
Cardiomyopathy (CMYO). Also called: Cardiomyopathies. Identifiers: Orphanet 167848, MedGen C0878544, MONDO:0004994, HP:0001638. Inheritance: Various modes of inheritance.
Hypertrophic cardiomyopathy. Also called: HYPERTROPHIC MYOCARDIOPATHY. Identifiers: Orphanet 217569, MedGen C0007194, MeSH D002312, MONDO:0005045, HP:0001639.

Allele frequency attached by ClinVar (database versions not stated): gnomAD exomes 0.00001.
gnomAD v4.1: 11 of 1,541,094 alleles (0.00071%); highest among the groups gnomAD compares: Non-Finnish European, 0.00096%; no homozygotes.

Submissions (3):

Molecular Genetics, Royal Melbourne Hospital
Classification: Uncertain significance for Hypertrophic cardiomyopathy. Last evaluated: 2024-01-05. Review status: criteria provided, single submitter. Criteria: ACMG Guidelines, 2015. Collection method: clinical testing. Allele origin: germline. Inheritance: Autosomal dominant inheritance. Affected: yes.
Comment: This sequence change in MYBPC3 is predicted to replace glycine with aspartic acid at codon 903, p.(Gly903Asp). The glycine residue is highly conserved (100 vertebrates, Multiz Alignments), and is located in the fibronectin type III domain 2 (C7 domain). There is a moderate physicochemical difference between glycine and aspartic acid. The highest population minor allele frequency in the population database gnomAD v4.0 is 0.001% (11/1,073,938 alleles) in the European (non-Finnish) population, which is consistent with hypertrophic cardiomyopathy (HCM). This variant has been reported in at least two probands with HCM (PMID: 27532257; Royal Melbourne Hospital). Computational evidence predicts a deleterious effect for the missense substitution (REVEL = 0.764). Based on the classification scheme RMH Modified ACMG/AMP Guidelines v1.6.1, this variant is classified as a VARIANT OF UNCERTAIN SIGNIFICANCE. Following criteria are met: PM2_Supporting, PP3, PS4_Supporting.

Fulgent Genetics
Classification: Uncertain significance for Hypertrophic cardiomyopathy 4; Left ventricular noncompaction 10. Last evaluated: 2021-11-15. Review status: criteria provided, single submitter. Criteria: ACMG Guidelines, 2015. Collection method: clinical testing. Allele origin: unknown.

Color Diagnostics, LLC DBA Color Health
Classification: Uncertain significance for Cardiomyopathy. Last evaluated: 2019-10-01. Review status: criteria provided, single submitter. Criteria: ACMG Guidelines, 2015. Collection method: clinical testing. Allele origin: germline.
Comment: This missense variant replaces glycine with aspartic acid at codon 903 of the MYBPC3 protein. Computational prediction tool suggests that this variant may have deleterious impact on protein structure and function (internally defined REVEL score threshold ≥0.7, PMID: 27666373). Splice site prediction tools suggest that this variant may not impact RNA splicing. To our knowledge, functional studies have not been performed for this variant. This variant has not been reported in individuals affected with cardiovascular disorders in the literature. This variant has not been identified in the general population by the Genome Aggregation Database (gnomAD). The available evidence is insufficient to determine the role of this variant in disease conclusively. Therefore, this variant is classified as a Variant of Uncertain Significance.

Literature cited by the submitters: PubMed 27532257 (cited by Molecular Genetics, Royal Melbourne Hospital).